The following is an entry in ClinVar:

ClinVar aggregate classification (germline): Uncertain significance (1 of 4 stars; one submission).

gnomAD v4.1: 1 of 1,612,026 alleles (0.000062%); highest among the groups gnomAD compares: Non-Finnish European, 0.000085%; no homozygotes.

Submission:

Labcorp Genetics (formerly Invitae), Labcorp
Classification: Uncertain significance. Last evaluated: 2023-05-16. Review status: criteria provided, single submitter. Criteria: Invitae Variant Classification Sherloc (09022015). Collection method: clinical testing. Allele origin: germline.
Comment: In summary, the available evidence is currently insufficient to determine the role of this variant in disease. Therefore, it has been classified as a Variant of Uncertain Significance. An algorithm developed to predict the effect of missense changes on protein structure and function (PolyPhen-2) suggests that this variant is likely to be disruptive. This variant has not been reported in the literature in individuals affected with RNF31-related conditions. This variant is not present in population databases (gnomAD no frequency). This sequence change replaces glutamine, which is neutral and polar, with histidine, which is basic and polar, at codon 858 of the RNF31 protein (p.Gln858His).

NM_017999.5(RNF31):c.2574G>C (p.Gln858His)

Gene: RNF31 (ring finger protein 31; plus strand). Cytogenetic location: 14q12.
Variant type: single nucleotide variant.
Coding change: c.2574G>C on transcript NM_017999.5 (MANE Select); coding-DNA position 2574, G replaced by C.
Protein change: p.Gln858His; replaces glutamine 858 with histidine.
Molecular consequence: missense variant.
Genome position (GRCh38, 1-based): chr14:24,157,370, G>C. VCF-style: chr14-24157370-G-C. GRCh37 (hg19) VCF-style: chr14-24626579-G-C.
Other names: c.2121G>C, p.Gln707His (NM_001310332.2); short protein forms Q858H, Q707H.
Identifiers: ClinVar variation 2864994 (VCV002864994.3), dbSNP rs764832680, ClinGen allele CA389305505.
Genomic context (GRCh38, chr14:24,157,370, plus strand): 5'-TCGGAGCTGTGAGGACTTCCAGAACTGGAAACGCATGAACGACCCAGAATACCAGGCCCA[G>C]GGCCTAGCAATGTATCTTCAGGAAAACGGCATTGGTAAGGCCTCCCTACTCGGCCTGTTT-3'
Protein context (NP_060469.4, residues 848-868): KRMNDPEYQA[Gln858His]GLAMYLQENG